The following is an entry in ClinVar:

ClinVar aggregate classification (germline): Uncertain significance (1 of 4 stars; one submission).

Submission:

GeneDx
Classification: Uncertain significance. Last evaluated: 2022-02-15. Review status: criteria provided, single submitter. Criteria: GeneDx Variant Classification Process June 2021. Collection method: clinical testing. Allele origin: germline. Affected: yes.
Comment: Not observed at significant frequency in large population cohorts (gnomAD); In silico analysis supports that this missense variant does not alter protein structure/function; Has not been previously published as pathogenic or benign to our knowledge

NM_001387430.1(SH2B1):c.388G>A (p.Ala130Thr)

Gene: SH2B1 (SH2B adaptor protein 1; plus strand). Cytogenetic location: 16p11.2.
Variant type: single nucleotide variant.
Coding change: c.388G>A on transcript NM_001387430.1 (MANE Select); coding-DNA position 388, G replaced by A.
Protein change: p.Ala130Thr; replaces alanine 130 with threonine.
Molecular consequence: missense variant. On other transcripts: intron variant (1).
Genome position (GRCh38, 1-based): chr16:28,866,482, G>A. VCF-style: chr16-28866482-G-A. GRCh37 (hg19) VCF-style: chr16-28877803-G-A.
Other names: c.388G>A, p.Ala130Thr (NM_001145795.2, NM_001145796.2, NM_001145797.2 and 4 more transcripts); c.-26-892G>A (NM_001308294.2); short protein forms A130T.
Identifiers: ClinVar variation 1700828 (VCV001700828.2), dbSNP rs2152176118, ClinGen allele CA395422839.